The following is an entry in ClinVar:

NM_002880.4(RAF1):c.601A>G (p.Ile201Val)

Gene: RAF1 (Raf-1 proto-oncogene, serine/threonine kinase; minus strand). Cytogenetic location: 3p25.2.
Variant type: single nucleotide variant.
Coding change: c.601A>G on transcript NM_002880.4 (MANE Select); coding-DNA position 601, A replaced by G.
Protein change: p.Ile201Val; replaces isoleucine 201 with valine.
Molecular consequence: missense variant. On other transcripts: non-coding transcript variant (3), intron variant (2).
Genome position (GRCh38, 1-based): chr3:12,606,280, T>C on the plus strand (A>G on the coding strand, the complement: RAF1 is on the minus strand). VCF-style: chr3-12606280-T-C. GRCh37 (hg19) VCF-style: chr3-12647779-T-C.
Other names: p.Ile201Val; c.601A>G, p.Ile201Val (NM_001354689.3, NM_001354690.3); c.358A>G, p.Ile120Val (NM_001354691.3, NM_001354692.3, NM_001354694.3); c.339-1991A>G (NM_001354695.3); c.582-1991A>G (NM_001354693.3); short protein forms I201V, I120V.
Identifiers: ClinVar variation 432929 (VCV000432929.14), dbSNP rs757700986, ClinGen allele CA2259726.

ClinVar aggregate classification (germline): Conflicting classifications of pathogenicity. Review status: criteria provided, conflicting classifications (1 of 4 stars). 5 submissions from 5 submitters: Uncertain significance (3); Likely benign (2). Last evaluated 2025-01-27.

Conditions:
Cardiovascular phenotype. Identifiers: MedGen CN230736.
RASopathy. Also called: Noonan spectrum disorder; rasopathies. Identifiers: Orphanet 536391, MedGen C5555857, MONDO:0021060.
LEOPARD syndrome 2 (LPRD2). Also called: RAF1-Related LEOPARD Syndrome. Identifiers: Orphanet 500, MedGen C1969056, MONDO:0012691, OMIM 611554.
Noonan syndrome 5 (NS5). Also called: RAF1-Related Noonan Syndrome. Identifiers: Orphanet 648, MedGen C1969057, MONDO:0012690, OMIM 611553. Disease mechanism: gain of function.
Dilated cardiomyopathy 1NN. Identifiers: Orphanet 154, MedGen C4014656, MONDO:0014396, OMIM 615916.

Allele frequency attached by ClinVar (database versions not stated): gnomAD exomes 0.00003; ExAC 0.00004; gnomAD 0.00001; TOPMed 0.00002.
gnomAD v4.1: 25 of 1,613,026 alleles (0.0015%); highest among the groups gnomAD compares: Middle Eastern, 0.033%; no homozygotes.

Submissions (5):

Mayo Clinic Laboratories, Mayo Clinic
Classification: Likely benign. Last evaluated: 2025-01-27. Review status: criteria provided, single submitter. Criteria: ACMG Guidelines, 2015. Collection method: clinical testing. Allele origin: germline. Observed: 1 variant allele.
Comment: BP4_strong, BP5

Labcorp Genetics (formerly Invitae), Labcorp
Classification: Uncertain significance for RASopathy. Last evaluated: 2024-12-11. Review status: criteria provided, single submitter. Criteria: Invitae Variant Classification Sherloc (09022015). Collection method: clinical testing. Allele origin: germline.
Comment: This sequence change replaces isoleucine, which is neutral and non-polar, with valine, which is neutral and non-polar, at codon 201 of the RAF1 protein (p.Ile201Val). This variant is present in population databases (rs757700986, gnomAD 0.006%). This variant has not been reported in the literature in individuals affected with RAF1-related conditions. ClinVar contains an entry for this variant (Variation ID: 432929). Invitae Evidence Modeling incorporating data from in vitro experimental studies (internal data) indicates that this missense variant is not expected to disrupt RAF1 function with a negative predictive value of 95%. In summary, the available evidence is currently insufficient to determine the role of this variant in disease. Therefore, it has been classified as a Variant of Uncertain Significance.

Ambry Genetics
Classification: Likely benign for Cardiovascular phenotype. Last evaluated: 2022-09-20. Review status: criteria provided, single submitter. Criteria: Ambry Variant Classification Scheme 2023. Collection method: clinical testing. Allele origin: germline.

Fulgent Genetics
Classification: Uncertain significance for Noonan syndrome 5; LEOPARD syndrome 2; Dilated cardiomyopathy 1NN. Last evaluated: 2021-10-01. Review status: criteria provided, single submitter. Criteria: ACMG Guidelines, 2015. Collection method: clinical testing. Allele origin: unknown.

GeneDx
Classification: Uncertain significance. Last evaluated: 2017-06-16. Review status: criteria provided, single submitter. Criteria: GeneDx Variant Classification (06012015). Collection method: clinical testing. Allele origin: germline. Affected: yes.
Comment: The I201V variant has not been published as a pathogenic variant, nor has it been reported as a benign variant to our knowledge. The I201V variant is observed in 2/11004 (0.018%) alleles from individuals of Latino background, in the ExAC dataset (Lek et al., 2016). The I201V variant is a conservative amino acid substitution, which is not likely to impact secondary protein structure as these residues share similar properties. This substitution occurs at a position that is not conserved. In silico analysis predicts this variant likely does not alter the protein structure/function. However, RAF1 and the other genes of the Ras/MAPK signalling pathway are very intolerant of sequence changes and there are few known benign amino acid substitutions. In summary, based on the currently available information, it is unclear whether this variant is a pathogenic variant or a rare benign variant.